The following is an entry in ClinVar:

NM_006218.4(PIK3CA):c.318C>A (p.Gly106=)

Gene: PIK3CA (phosphatidylinositol-4,5-bisphosphate 3-kinase catalytic subunit alpha; plus strand). Cytogenetic location: 3q26.32.
Variant type: single nucleotide variant.
Coding change: c.318C>A on transcript NM_006218.4 (MANE Select); coding-DNA position 318, C replaced by A.
Protein change: p.Gly106=; no amino-acid change (glycine 106 retained).
Molecular consequence: synonymous variant.
Genome position (GRCh38, 1-based): chr3:179,199,143, C>A. VCF-style: chr3-179199143-C-A. GRCh37 (hg19) VCF-style: chr3-178916931-C-A.
Other names: c.318C>A (LRG_310t1, NM_006218.3).
Identifiers: ClinVar variation 259960 (VCV000259960.47), dbSNP rs201193059, ClinGen allele CA2710515.

ClinVar aggregate classification (germline): Benign/Likely benign. Review status: criteria provided, multiple submitters, no conflicts (2 of 4 stars). 10 submissions from 10 submitters: Benign (3); Likely benign (5). 2 of the submissions do not count toward it. Last evaluated 2026-05-01.

Conditions:
Cowden syndrome (CS). Also called: Cowden's disease; Cowden's syndrome; Cowden disease. Identifiers: Orphanet 201, MedGen C0018553, MONDO:0016063. Disease mechanism: gain of function.
Inborn genetic diseases. Identifiers: MedGen C0950123, MeSH D030342.
Cowden syndrome 5 (CWS5). Identifiers: Orphanet 201, MedGen C3554518, MONDO:0014047, OMIM 615108.

Allele frequency attached by ClinVar (database versions not stated): 1000 Genomes Project 30x 0.00016; gnomAD 0.00016 and 0.00023; TOPMed 0.00016; 1000 Genomes Project 0.00020; ESP Exome Variant Server 0.00034; gnomAD exomes 0.00035 and 0.00061; ExAC 0.00070.
gnomAD v4.1: 546 of 1,592,540 alleles (0.034%); highest among the groups gnomAD compares: South Asian, 0.34%; 6 homozygotes.

Submissions (10):

CeGaT Center for Human Genetics Tuebingen
Classification: Likely benign. Last evaluated: 2026-05-01. Review status: criteria provided, single submitter. Criteria: CeGaT Center For Human Genetics Tuebingen Variant Classification Criteria Version 2. Collection method: clinical testing. Allele origin: germline. Affected: yes. Observed: 13 variant alleles.
Comment: PIK3CA: BP4, BS1

Labcorp Genetics (formerly Invitae), Labcorp
Classification: Benign for Cowden syndrome. Last evaluated: 2025-11-17. Review status: criteria provided, single submitter. Criteria: Invitae Variant Classification Sherloc (09022015). Collection method: clinical testing. Allele origin: germline.

Laboratory of Genetics, Children's Clinical University Hospital Latvia
Classification: Likely benign. Last evaluated: 2025-02-16. Review status: criteria provided, single submitter. Criteria: ACMG Guidelines, 2015. Collection method: clinical testing. Allele origin: germline. Affected: yes.

Blueprint Genetics
Classification: Likely benign. Last evaluated: 2024-11-21. Review status: criteria provided, single submitter. Criteria: ACMG Guidelines, 2015. Collection method: clinical testing. Allele origin: germline.

KCCC/NGS Laboratory, Kuwait Cancer Control Center
Classification: Benign for Cowden syndrome 5. Last evaluated: 2023-07-07. Review status: criteria provided, single submitter. Criteria: ACMG Guidelines, 2015. Collection method: clinical testing. Allele origin: germline. Affected: yes.

Ambry Genetics
Classification: Likely benign for Inborn genetic diseases. Last evaluated: 2022-02-12. Review status: criteria provided, single submitter. Criteria: Ambry Variant Classification Scheme 2023. Collection method: clinical testing. Allele origin: germline.

GeneDx
Classification: Benign. Last evaluated: 2020-08-13. Review status: criteria provided, single submitter. Criteria: GeneDx Variant Classification Process June 2021. Collection method: clinical testing. Allele origin: germline. Affected: yes.

PreventionGenetics, part of Exact Sciences
Classification: Likely benign. Review status: criteria provided, single submitter. Criteria: ACMG Guidelines, 2015. Collection method: clinical testing. Allele origin: germline.

Clinical Genetics DNA and cytogenetics Diagnostics Lab, Erasmus MC, Erasmus Medical Center
Classification: Likely benign. Review status: no assertion criteria provided. Collection method: clinical testing. Allele origin: germline. Affected: yes. Study: VKGL Data-share Consensus. Not counted in ClinVar's aggregate classification.

Genome Diagnostics Laboratory, Amsterdam University Medical Center
Classification: Likely benign. Review status: no assertion criteria provided. Collection method: clinical testing. Allele origin: germline. Affected: yes. Study: VKGL Data-share Consensus. Not counted in ClinVar's aggregate classification.